The following is an entry in ClinVar:

NM_001378454.1(ALMS1):c.8370A>G (p.Glu2790=)

Gene: ALMS1 (ALMS1 centrosome and basal body associated protein; plus strand). Cytogenetic location: 2p13.1.
Variant type: single nucleotide variant.
Coding change: c.8370A>G on transcript NM_001378454.1 (MANE Select); coding-DNA position 8370, A replaced by G.
Protein change: p.Glu2790=; no amino-acid change (glutamic acid 2790 retained).
Molecular consequence: synonymous variant.
Genome position (GRCh38, 1-based): chr2:73,490,329, A>G. VCF-style: chr2-73490329-A-G. GRCh37 (hg19) VCF-style: chr2-73717456-A-G.
Other names: c.8373A>G, p.Glu2791= (NM_015120.4).
Identifiers: ClinVar variation 3354092 (VCV003354092.1).
Genomic context (GRCh38, chr2:73,490,329, plus strand): 5'-CCCTTCATCATTTAAAATGCATAGTAATTCACAAGATAAAGAAGTGACTATTTTAGCAGA[A>G]GGTAGAAGGCAAAGCCAAAAATTACCTGTTGATTTTGAGCGTTCTTTTCAAGAAGAAAAA-3'
Protein context (NP_001365383.1, residues 2780-2800): SQDKEVTILA[Glu2790=]GRRQSQKLPV

ClinVar aggregate classification (germline): Likely benign (0 of 4 stars; one submission).

Conditions:
ALMS1-related disorder. Also called: ALMS1-related condition.

gnomAD v4.1: 1 of 1,611,898 alleles (0.000062%); highest among the groups gnomAD compares: Non-Finnish European, 0.000085%; no homozygotes.

Submission:

PreventionGenetics, part of Exact Sciences
Classification: Likely benign for ALMS1-related condition. Last evaluated: 2023-07-14. Review status: no assertion criteria provided. Collection method: clinical testing. Allele origin: germline.
Comment: This variant is classified as likely benign based on ACMG/AMP sequence variant interpretation guidelines (Richards et al. 2015 PMID: 25741868, with internal and published modifications).